The following is an entry in ClinVar:

ClinVar aggregate classification (germline): Likely pathogenic (1 of 4 stars; one submission).

Conditions:
Bethlem myopathy 1A. Also called: MYOPATHY, BENIGN CONGENITAL, WITH CONTRACTURES; Bethlem myopathy 1; Bethlem Muscular Dystrophy. Identifiers: Orphanet 610, MedGen CN029274, MONDO:0024530, OMIM 158810.

gnomAD v4.1: 2 of 1,611,386 alleles (0.00012%); highest among the groups gnomAD compares: Non-Finnish European, 0.00017%; no homozygotes.

Submissions (2):

Labcorp Genetics (formerly Invitae), Labcorp
Classification: Likely pathogenic for Bethlem myopathy 1A. Last evaluated: 2025-09-23. Review status: criteria provided, single submitter. Criteria: Invitae Variant Classification Sherloc (09022015). Collection method: clinical testing. Allele origin: germline.
Comment: This sequence change affects an acceptor splice site in intron 24 of the COL6A2 gene. It is expected to disrupt RNA splicing. Variants that disrupt the donor or acceptor splice site typically lead to a loss of protein function (PMID: 16199547), and loss-of-function variants in COL6A2 are known to be pathogenic (PMID: 19884007, 20976770). This variant is not present in population databases (gnomAD no frequency). This variant has not been reported in the literature in individuals affected with COL6A2-related conditions. Algorithms developed to predict the effect of sequence changes on RNA splicing suggest that this variant may disrupt the consensus splice site. In summary, the currently available evidence indicates that the variant is pathogenic, but additional data are needed to prove that conclusively. Therefore, this variant has been classified as Likely Pathogenic.

Dr. Peter K. Rogan Lab, Western University
No classification provided (evidence only). Condition: Melanoma. Review status: no classification provided. Collection method: in vitro. Allele origin: not applicable. Functional consequence: retained intron. Not counted in ClinVar's aggregate classification.

Literature cited by the submitters: PubMed 16199547 (cited by Labcorp Genetics (formerly Invitae), Labcorp); PubMed 19884007 (cited by Labcorp Genetics (formerly Invitae), Labcorp); PubMed 20976770 (cited by Labcorp Genetics (formerly Invitae), Labcorp).

NM_001849.4(COL6A2):c.1817-1G>A

Gene: COL6A2 (collagen type VI alpha 2 chain; plus strand). Cytogenetic location: 21q22.3.
Variant type: single nucleotide variant.
Coding change: c.1817-1G>A on transcript NM_001849.4 (MANE Select); the canonical splice acceptor site of the intron before coding-DNA position 1817, G replaced by A.
Molecular consequence: splice acceptor variant.
Genome position (GRCh38, 1-based): chr21:46,125,464, G>A. VCF-style: chr21-46125464-G-A. GRCh37 (hg19) VCF-style: chr21-47545378-G-A.
Other names: NC_000021.8:g.47545378G>A; c.1817-1G>A (NM_058175.3, NM_058174.3).
Identifiers: ClinVar variation 4455410 (VCV004455410.2).